The following is an entry in ClinVar:

NM_005765.3(ATP6AP2):c.588G>A (p.Leu196=)

Gene: ATP6AP2 (ATPase H+ transporting accessory protein 2; plus strand). Cytogenetic location: Xp11.4.
Variant type: single nucleotide variant.
Coding change: c.588G>A on transcript NM_005765.3 (MANE Select); coding-DNA position 588, G replaced by A.
Protein change: p.Leu196=; no amino-acid change (leucine 196 retained).
Molecular consequence: synonymous variant.
Genome position (GRCh38, 1-based): chrX:40,598,734, G>A. VCF-style: chrX-40598734-G-A. GRCh37 (hg19) VCF-style: chrX-40457986-G-A.
Identifiers: ClinVar variation 4082888 (VCV004082888.2).

ClinVar aggregate classification (germline): Uncertain significance (1 of 4 stars; one submission).

Submission:

GeneDx
Classification: Uncertain significance. Last evaluated: 2026-08-05. Review status: criteria provided, single submitter. Criteria: GeneDx Variant Classification Process June 2021. Collection method: clinical testing. Allele origin: germline.
Comment: Not observed at significant frequency in large population cohorts (gnomAD); In silico analysis supports a deleterious effect on splicing; Has not been previously published as pathogenic or benign to our knowledge